The following is an entry in ClinVar:

ClinVar aggregate classification (germline): Benign. Review status: criteria provided, multiple submitters, no conflicts (2 of 4 stars). 6 submissions from 6 submitters: Benign (5). 1 of the submissions does not count toward it. Last evaluated 2026-02-04.

Conditions:
Glycogen storage disease, type VI (GSD6). Also called: Hepatic glycogen phosphorylase deficiency; Glycogen storage disease type 6; Glycogen storage disease type 6, due to phosphorylation; GSD VI; HERS DISEASE; PHOSPHORYLASE DEFICIENCY GLYCOGEN-STORAGE DISEASE OF LIVER. Identifiers: Orphanet 369, MedGen C0017925, MONDO:0009294, OMIM 232700.

Submissions (6):

Labcorp Genetics (formerly Invitae), Labcorp
Classification: Benign for Glycogen storage disease, type VI. Last evaluated: 2026-02-04. Review status: criteria provided, single submitter. Criteria: Invitae Variant Classification Sherloc (09022015). Collection method: clinical testing. Allele origin: germline.

Genome-Nilou Lab
Classification: Benign for Glycogen storage disease, type VI. Last evaluated: 2021-11-07. Review status: criteria provided, single submitter. Criteria: ACMG Guidelines, 2015. Collection method: clinical testing. Allele origin: germline. Affected: no.

Laboratory for Molecular Medicine, Mass General Brigham Personalized Medicine
Classification: Benign. Last evaluated: 2016-03-28. Review status: criteria provided, single submitter. Criteria: LMM Criteria. Collection method: clinical testing. Allele origin: germline.
Comment: Variant identified in a genome or exome case(s) and assessed due to predicted null impact of the variant or pathogenic assertions in the literature or databases. Disclaimer: This variant has not undergone full assessment. The following are preliminary notes: Frequency in ESP (all): 5552/12518=44.35%

Eurofins Ntd Llc (ga)
Classification: Benign. Last evaluated: 2015-04-06. Review status: criteria provided, single submitter. Criteria: EGL Classification Definitions 2015. Collection method: clinical testing. Allele origin: germline. Observed: 4 variant alleles, 1 heterozygote, 3 homozygotes.

PreventionGenetics, part of Exact Sciences
Classification: Benign. Review status: criteria provided, single submitter. Criteria: ACMG Guidelines, 2015. Collection method: clinical testing. Allele origin: germline.

Mayo Clinic Laboratories, Mayo Clinic
Classification: Benign. Last evaluated: 2015-10-23. Review status: no assertion criteria provided. Collection method: clinical testing. Allele origin: unknown. Not counted in ClinVar's aggregate classification.

NM_002863.5(PYGL):c.1828-2del

Gene: PYGL (glycogen phosphorylase L; minus strand). Cytogenetic location: 14q22.1.
Variant type: Deletion.
Coding change: c.1828-2del on transcript NM_002863.5 (MANE Select); the canonical splice acceptor site of the intron before coding-DNA position 1828, one base deleted (A; older notation c.1828-2delA).
Molecular consequence: splice acceptor variant.
Genome position (GRCh38, 1-based): chr14:50,911,873, T deleted on the plus strand (A on the coding strand, the reverse complement: PYGL is on the minus strand); the first of 3 consecutive T bases (chr14:50,911,873-50,911,875); deleting any one gives the same sequence. VCF-style (leftmost placement, unchanged base first): chr14-50911872-CT-C. GRCh37 (hg19) VCF-style: chr14-51378590-CT-C.
Other names: c.1828-2delA (NM_002863.5); c.1726-2del (NM_001163940.2).
Identifiers: ClinVar variation 194627 (VCV000194627.24), dbSNP rs11356035, ClinGen allele CA201269.